The following is an entry in ClinVar:

ClinVar aggregate classification (germline): Conflicting classifications of pathogenicity. Review status: criteria provided, conflicting classifications (1 of 4 stars). 2 submissions from 2 submitters: Uncertain significance (1); Likely benign (1). Last evaluated 2023-05-02.

Conditions:
ANK2-related disorder. Also called: ANK2-related condition.
Cardiovascular phenotype. Identifiers: MedGen CN230736.

Allele frequency attached by ClinVar (database versions not stated): gnomAD 0.00001; gnomAD exomes 0.00001; TOPMed 0.00002.
gnomAD v4.1: 19 of 1,614,032 alleles (0.0012%); highest among the groups gnomAD compares: Admixed American, 0.0017%; no homozygotes.

Submissions (2):

PreventionGenetics, part of Exact Sciences
Classification: Uncertain significance for ANK2-related condition. Last evaluated: 2023-05-02. Review status: criteria provided, single submitter. Criteria: ACMG Guidelines, 2015. Collection method: clinical testing. Allele origin: germline.
Comment: The ANK2 c.7084A>G variant is predicted to result in the amino acid substitution p.Lys2362Glu. To our knowledge, this variant has not been reported in the literature. This variant is reported in 0.0065% of alleles in individuals of European (Non-Finnish) descent in gnomAD. At this time, the clinical significance of this variant is uncertain due to the absence of conclusive functional and genetic evidence.

Ambry Genetics
Classification: Likely benign for Cardiovascular phenotype. Last evaluated: 2020-11-19. Review status: criteria provided, single submitter. Criteria: Ambry Variant Classification Scheme 2023. Collection method: clinical testing. Allele origin: germline.

NM_001148.6(ANK2):c.7084A>G (p.Lys2362Glu)

Genes: ANK2 (ankyrin 2; plus strand), LOC126807137 (CDK7 strongly-dependent group 2 enhancer GRCh37_chr4:114276560-114277759; plus strand). Cytogenetic location: 4q26.
Variant type: single nucleotide variant.
Coding change: c.7084A>G on transcript NM_001148.6 (MANE Select); coding-DNA position 7084, A replaced by G.
Protein change: p.Lys2362Glu; replaces lysine 2362 with glutamic acid.
Molecular consequence: missense variant. On other transcripts: intron variant (68).
Genome position (GRCh38, 1-based): chr4:113,355,702, A>G. VCF-style: chr4-113355702-A-G. GRCh37 (hg19) VCF-style: chr4-114276858-A-G.
Other names: c.1976-5121A>G (NM_001354280.2); c.1955-5121A>G (NM_001354278.2, NM_001354281.2); c.827-5121A>G (NM_001386167.1); c.6850A>G, p.Lys2284Glu (NM_001386142.1); c.3484A>G, p.Lys1162Glu (NM_001386166.1); c.7225A>G, p.Lys2409Glu (NM_001386174.1); c.7201A>G, p.Lys2401Glu (NM_001386175.1); c.4412-5121A>G (NM_001386186.2, NM_001386148.2); and 35 more; short protein forms K2284E, K2401E, K2409E, K1162E, K2362E.
Identifiers: ClinVar variation 1757055 (VCV001757055.3), dbSNP rs760096507, ClinGen allele CA103814911.